The following is an entry in ClinVar:

NM_000288.4(PEX7):c.870_871insCAA (p.Cys290_Gly291insGln)

Gene: PEX7 (peroxisomal biogenesis factor 7; plus strand). Cytogenetic location: 6q23.3.
Variant type: Insertion.
Coding change: c.870_871insCAA on transcript NM_000288.4 (MANE Select); coding-DNA positions 870 to 871, CAA inserted.
Protein change: p.Cys290_Gly291insGln.
Molecular consequence: inframe insertion.
Genome position: GRCh38 VCF-style: chr6-136898208-T-TCAA. GRCh37 (hg19) VCF-style: chr6-137219346-T-TCAA.
Identifiers: ClinVar variation 813368 (VCV000813368.12), dbSNP rs267608257, ClinGen allele CA148218743.

ClinVar aggregate classification (germline): Conflicting classifications of pathogenicity. Review status: criteria provided, conflicting classifications (1 of 4 stars). 6 submissions from 5 submitters: Likely pathogenic (2); Uncertain significance (3). 1 of the submissions does not count toward it. Last evaluated 2026-05-19.

Conditions:
Rhizomelic chondrodysplasia punctata type 1 (RCDP1). Also called: CHONDRODYSTROPHIA CALCIFICANS PUNCTATA; PEROXISOME BIOGENESIS DISORDER 9; PEX7-Related Rhizomelic Chondrodysplasia Punctata. Identifiers: Orphanet 177, Orphanet 309789, MedGen C1859133, MONDO:0008972, OMIM 215100. Disease mechanism: loss of function.
PEX7-related disorder. Also called: PEX7-related condition; PEX7-related disorders. Identifiers: MedGen CN239409.
Peroxisome biogenesis disorder. Identifiers: Orphanet 79189, MedGen C1832200, MONDO:0019234. Disease mechanism: loss of function.
Peroxisome biogenesis disorder 9B. Also called: PEX7-Related Refsum Disease; PEROXISOME BIOGENESIS DISORDER, PEX7-RELATED, ATYPICAL; Refsum disease, adult, 2. Identifiers: Orphanet 773, MedGen C2749346, MONDO:0013945, OMIM 614879.

Allele frequency attached by ClinVar (database versions not stated): TOPMed 0.00001.

Submissions (6):

Myriad Genetics, Inc.
Classification: Uncertain significance for Peroxisome biogenesis disorder. Last evaluated: 2026-05-19. Review status: criteria provided, single submitter. Criteria: Myriad Autosomal Dominant, Autosomal Recessive and X-Linked Classification Criteria (2023). Collection method: clinical testing. Allele origin: unknown.
Comment: NM_000288.3(PEX7):c.870_871insCAA(C290_G291insQ) is an in-frame insertion classified as a variant of uncertain significance in the context of PEX7-related disorders. C290_G291insQ has been observed in a case with relevant disease (PMID: 12325024). Relevant functional assessments of this variant are not available in the literature. C290_G291insQ has not been observed in referenced population frequency databases. In summary, there is insufficient evidence to classify NM_000288.3(PEX7):c.870_871insCAA(C290_G291insQ) as pathogenic or benign. Please note: this variant was assessed in the context of healthy population screening.

Women's Health and Genetics/Laboratory Corporation of America, LabCorp
Classification: Uncertain significance. Last evaluated: 2024-03-10. Review status: criteria provided, single submitter. Criteria: LabCorp Variant Classification Summary - May 2015. Collection method: clinical testing. Allele origin: germline.
Comment: Variant summary: PEX7 c.870_871insCAA (p.Cys290_Gly291insGln) results in an in-frame insertion that is predicted to insert one amino acid into the encoded protein. The variant was absent in 251294 control chromosomes. The available data on variant occurrences in the general population are insufficient to allow any conclusion about variant significance. c.870_871insCAA has been reported in the literature as a compound heterozygous genotype in at-least one individual affected with Rhizomelic Chondrodysplasia Punctata Type 1 (example, Braverman_2002). This report does not provide unequivocal conclusions about association of the variant with Rhizomelic Chondrodysplasia Punctata Type 1. At least one publication reports experimental evidence demonstrating impaired PTS2 protein import due to exclusively cytosolic localization in RCDP cells (Braverman_2002). The following publication has been ascertained in the context of this evaluation (PMID: 12325024). ClinVar contains an entry for this variant (Variation ID: 813368). Based on the evidence outlined above, the variant was classified as uncertain significance.

Baylor Genetics
Classification: Likely pathogenic for Peroxisome biogenesis disorder 9B. Last evaluated: 2023-12-30. Review status: criteria provided, single submitter. Criteria: ACMG Guidelines, 2015. Collection method: clinical testing. Allele origin: unknown.

Labcorp Genetics (formerly Invitae), Labcorp
Classification: Uncertain significance for Peroxisome biogenesis disorder 9B. Last evaluated: 2021-11-11. Review status: criteria provided, single submitter. Criteria: Invitae Variant Classification Sherloc (09022015). Collection method: clinical testing. Allele origin: germline.
Comment: This variant, c.870_871insCAA, results in the insertion of 1 amino acid(s) of the PEX7 protein (p.Cys290_Gly291insGln), but otherwise preserves the integrity of the reading frame. This variant is not present in population databases (gnomAD no frequency). This variant has been observed in individual(s) with rhizomelic chondrodysplasia punctata (PMID: 12325024). This variant is also known as c.871_873insCAAp.Q291ins. ClinVar contains an entry for this variant (Variation ID: 813368). Algorithms developed to predict the effect of sequence changes on RNA splicing suggest that this variant may create or strengthen a splice site. In summary, the available evidence is currently insufficient to determine the role of this variant in disease. Therefore, it has been classified as a Variant of Uncertain Significance.

Baylor Genetics
Classification: Likely pathogenic for Rhizomelic chondrodysplasia punctata type 1. Review status: criteria provided, single submitter. Criteria: ACMG Guidelines, 2015. Collection method: clinical testing. Allele origin: germline.

PreventionGenetics, part of Exact Sciences
Classification: Uncertain significance for PEX7-related condition. Last evaluated: 2023-11-28. Review status: no assertion criteria provided. Collection method: clinical testing. Allele origin: germline. Not counted in ClinVar's aggregate classification.
Comment: The PEX7 c.870_871insCAA variant is predicted to result in an in-frame amino acid insertion (p.Cys290_Gly291insGln). This variant (also referred to as Q290ins within the literature) was reported in a compound heterozygous individual presenting with Rhizomelic chondrodysplasia punctata (Table 3, Braverman et al 2002. PubMed ID: 12325024). This variant has not been reported in a large population database, indicating this variant is rare. At this time, the clinical significance of this variant is uncertain due to the absence of conclusive functional and genetic evidence.

Literature cited by the submitters: PubMed 12325024 (cited by 3 submitters).